The following is an entry in ClinVar:

ClinVar aggregate classification (germline): Likely benign (0 of 4 stars; one submission).

Conditions:
TNRC6B-related disorder. Also called: TNRC6B-related condition.

Allele frequency attached by ClinVar (database versions not stated): ExAC 0.00018; ESP Exome Variant Server 0.00032; gnomAD 0.00042; TOPMed 0.00071; 1000 Genomes Project 0.00080; 1000 Genomes Project 30x 0.00109.
gnomAD v4.1: 599 of 1,613,994 alleles (0.037%); highest among the groups gnomAD compares: Admixed American, 0.13%; no homozygotes.

Submission:

PreventionGenetics, part of Exact Sciences
Classification: Likely benign for TNRC6B-related condition. Last evaluated: 2024-01-29. Review status: no assertion criteria provided. Collection method: clinical testing. Allele origin: germline.
Comment: This variant is classified as likely benign based on ACMG/AMP sequence variant interpretation guidelines (Richards et al. 2015 PMID: 25741868, with internal and published modifications).

NM_001162501.2(TNRC6B):c.2609A>C (p.Glu870Ala)

Gene: TNRC6B (trinucleotide repeat containing adaptor 6B; plus strand). Cytogenetic location: 22q13.1.
Variant type: single nucleotide variant.
Coding change: c.2609A>C on transcript NM_001162501.2 (MANE Select); coding-DNA position 2609, A replaced by C.
Protein change: p.Glu870Ala; replaces glutamic acid 870 with alanine.
Molecular consequence: missense variant. On other transcripts: intron variant (1).
Genome position (GRCh38, 1-based): chr22:40,266,839, A>C. VCF-style: chr22-40266839-A-C. GRCh37 (hg19) VCF-style: chr22-40662843-A-C.
Other names: c.2609A>C, p.Glu870Ala (NM_015088.3); c.566-3283A>C (NM_001024843.2); short protein forms E870A.
Identifiers: ClinVar variation 3033100 (VCV003033100.2), dbSNP rs201560227, ClinGen allele CA10246861.
Genomic context (GRCh38, chr22:40,266,839, plus strand): 5'-ACGTTCGACCTTCCAATTCCAGCTGGAGCAGCGGGCCACAGCCTGCAACACCTAAGGATG[A>C]GGAACCCAGTGGTTGGGAAGAGCCATCCCCACAGTCAATTAGTCGGAAAATGGACATTGA-3'
Protein context (NP_001155973.1, residues 860-880): SGPQPATPKD[Glu870Ala]EPSGWEEPSP